The following is an entry in ClinVar:

ClinVar aggregate classification (germline): Pathogenic (1 of 4 stars; one submission).

Submission:

GeneDx
Classification: Pathogenic. Last evaluated: 2025-02-26. Review status: criteria provided, single submitter. Criteria: GeneDx Variant Classification Process June 2021. Collection method: clinical testing. Allele origin: germline. Affected: yes.
Comment: Identified in a proband with severe myoclonic epilepsy of infancy in published literature; of note, the authors report this variant as c.856G>C p.E289X (PMID: 17054684); Nonsense variant predicted to result in protein truncation or nonsense mediated decay in a gene for which loss of function is a known mechanism of disease; Not observed at significant frequency in large population cohorts (gnomAD); This variant is associated with the following publications: (PMID: 25525159, 20562086, 12821740, 23884151, 17054684)

NM_001165963.4(SCN1A):c.865G>T (p.Glu289Ter)

Gene: SCN1A (sodium voltage-gated channel alpha subunit 1; minus strand). Cytogenetic location: 2q24.3.
Variant type: single nucleotide variant.
Coding change: c.865G>T on transcript NM_001165963.4 (MANE Select); coding-DNA position 865, G replaced by T.
Protein change: p.Glu289Ter; replaces glutamic acid 289 with a stop codon.
Molecular consequence: nonsense. On other transcripts: 5 prime UTR variant (1), non-coding transcript variant (1).
Genome position (GRCh38, 1-based): chr2:166,051,818, C>A on the plus strand (G>T on the coding strand, the complement: SCN1A is on the minus strand). VCF-style: chr2-166051818-C-A. GRCh37 (hg19) VCF-style: chr2-166908328-C-A.
Other names: c.865G>T, p.Glu289Ter (NM_001165964.3, NM_001202435.3, NM_001353948.2 and 10 more transcripts); c.-1561G>T (NM_001353961.2); short protein forms E289*.
Identifiers: ClinVar variation 4077198 (VCV004077198.1).
Genomic context (GRCh38, chr2:166,051,818, plus strand): 5'-CAGTTTCATTTATAAGTGTACCATTATAATTCACAGTTATATTCTTTTCTATACTATGTT[C>A]CTCCAAGGAAGCATTGGTGGGAGGCCATTGTATACATTTATTCCTCAGGTTGCCCATGAA-3'